The following is an entry in ClinVar:

NC_000023.10:g.(?_85128037)_(85128237_?)del

Gene: CHM (CHM Rab escort protein; minus strand). Cytogenetic location: Xq21.2.
Variant type: Deletion.
Identifiers: ClinVar variation 1454930 (VCV001454930.5).

ClinVar aggregate classification (germline): Pathogenic (1 of 4 stars; one submission).

Submission:

Labcorp Genetics (formerly Invitae), Labcorp
Classification: Pathogenic. Last evaluated: 2023-02-01. Review status: criteria provided, single submitter. Criteria: Invitae Variant Classification Sherloc (09022015). Collection method: clinical testing. Allele origin: germline.
Comment: For these reasons, this variant has been classified as Pathogenic. This variant disrupts a region of the CHM protein in which other variant(s) (p.Glu592Valfs*44) have been determined to be pathogenic (Invitae). This suggests that this is a clinically significant region of the protein, and that variants that disrupt it are likely to be disease-causing. This variant has not been reported in the literature in individuals affected with CHM-related conditions. This variant is a gross deletion of the genomic region encompassing exon(s) 14 of the CHM gene. While this deletion is not anticipated to lead to nonsense mediated decay, it is expected to disrupt the C-terminus of the protein.